The following is an entry in ClinVar:

NM_004522.3(KIF5C):c.1866C>T (p.Ser622=)

Gene: KIF5C (kinesin family member 5C; plus strand). Cytogenetic location: 2q23.1.
Variant type: single nucleotide variant.
Coding change: c.1866C>T on transcript NM_004522.3 (MANE Select); coding-DNA position 1866, C replaced by T.
Protein change: p.Ser622=; no amino-acid change (serine 622 retained).
Molecular consequence: synonymous variant. On other transcripts: non-coding transcript variant (1).
Genome position (GRCh38, 1-based): chr2:148,991,159, C>T. VCF-style: chr2-148991159-C-T. GRCh37 (hg19) VCF-style: chr2-149847673-C-T.
Identifiers: ClinVar variation 3352496 (VCV003352496.7).
Genomic context (GRCh38, chr2:148,991,159, plus strand): 5'-GAACCGCAGCAAACAGCTCGAGAGCGCCCAGATGGACTCCAACAGGAAGATGAATGCCAG[C>T]GAGCGGGAGCTGGCAGCCTGCCAGCTGCTCATCTCCCAGGTGGGCCCTTCCCTTCCCCAT-3'
Protein context (NP_004513.1, residues 612-632): QMDSNRKMNA[Ser622=]ERELAACQLL

ClinVar aggregate classification (germline): Likely benign. Review status: criteria provided, multiple submitters, no conflicts (2 of 4 stars). 3 submissions from 3 submitters: Likely benign (2). 1 of the submissions does not count toward it. Last evaluated 2026-01-01.

Conditions:
KIF5C-related disorder. Also called: KIF5C-related condition.

gnomAD v4.1: 308 of 1,613,858 alleles (0.019%); highest among the groups gnomAD compares: Admixed American, 0.068%; no homozygotes.

Submissions (3):

CeGaT Center for Human Genetics Tuebingen
Classification: Likely benign. Last evaluated: 2026-01-01. Review status: criteria provided, single submitter. Criteria: CeGaT Center For Human Genetics Tuebingen Variant Classification Criteria Version 2. Collection method: clinical testing. Allele origin: germline. Affected: yes. Observed: 2 variant alleles.
Comment: KIF5C: BP4, BP7

Blueprint Genetics
Classification: Likely benign. Last evaluated: 2023-12-22. Review status: criteria provided, single submitter. Criteria: ACMG Guidelines, 2015. Collection method: clinical testing. Allele origin: germline.

PreventionGenetics, part of Exact Sciences
Classification: Likely benign for KIF5C-related condition. Last evaluated: 2024-05-06. Review status: no assertion criteria provided. Collection method: clinical testing. Allele origin: germline. Not counted in ClinVar's aggregate classification.
Comment: This variant is classified as likely benign based on ACMG/AMP sequence variant interpretation guidelines (Richards et al. 2015 PMID: 25741868, with internal and published modifications).